The following is an entry in ClinVar:

NM_030753.5(WNT3):c.286G>C (p.Asp96His)

Genes: LRRC37A2 (leucine rich repeat containing 37 member A2), WNT3 (Wnt family member 3; minus strand). Cytogenetic location: 17q21.31.
Variant type: single nucleotide variant.
Coding change: c.286G>C on transcript NM_030753.5 (MANE Select); coding-DNA position 286, G replaced by C.
Protein change: p.Asp96His; replaces aspartic acid 96 with histidine.
Molecular consequence: missense variant.
Genome position (GRCh38, 1-based): chr17:46,773,704, C>G on the plus strand (G>C on the coding strand, the complement: WNT3 is on the minus strand). VCF-style: chr17-46773704-C-G. GRCh37 (hg19) VCF-style: chr17-44851070-C-G.
Other names: short protein forms D96H.
Identifiers: ClinVar variation 1521739 (VCV001521739.6), dbSNP rs1452765136, ClinGen allele CA400011224.

ClinVar aggregate classification (germline): Uncertain significance (1 of 4 stars; one submission).

Allele frequency attached by ClinVar (database versions not stated): TOPMed below 0.00001; gnomAD 0.00001; gnomAD exomes 0.00002.
gnomAD v4.1: 20 of 1,371,560 alleles (0.0015%); highest among the groups gnomAD compares: Non-Finnish European, 0.0019%; no homozygotes.

Submission:

Labcorp Genetics (formerly Invitae), Labcorp
Classification: Uncertain significance. Last evaluated: 2022-10-18. Review status: criteria provided, single submitter. Criteria: Invitae Variant Classification Sherloc (09022015). Collection method: clinical testing. Allele origin: germline.
Comment: In summary, the available evidence is currently insufficient to determine the role of this variant in disease. Therefore, it has been classified as a Variant of Uncertain Significance. Advanced modeling of protein sequence and biophysical properties (such as structural, functional, and spatial information, amino acid conservation, physicochemical variation, residue mobility, and thermodynamic stability) performed at Invitae indicates that this missense variant is not expected to disrupt WNT3 protein function. ClinVar contains an entry for this variant (Variation ID: 1521739). This variant has not been reported in the literature in individuals affected with WNT3-related conditions. This variant is present in population databases (no rsID available, gnomAD 0.007%). This sequence change replaces aspartic acid, which is acidic and polar, with histidine, which is basic and polar, at codon 96 of the WNT3 protein (p.Asp96His).